The following is an entry in ClinVar:

ClinVar aggregate classification (germline): Uncertain significance. Review status: criteria provided, multiple submitters, no conflicts (2 of 4 stars). 3 submissions from 3 submitters: Uncertain significance (3). Last evaluated 2025-05-01.

Conditions:
Inborn genetic diseases. Identifiers: MedGen C0950123, MeSH D030342.

Allele frequency attached by ClinVar (database versions not stated): gnomAD 0.00001; TOPMed 0.00003; gnomAD exomes 0.00009; ExAC 0.00014.
gnomAD v4.1: 31 of 1,563,364 alleles (0.002%); highest among the groups gnomAD compares: Admixed American, 0.028%; no homozygotes.

Submissions (3):

Ambry Genetics
Classification: Uncertain significance for Inborn genetic diseases. Last evaluated: 2025-05-01. Review status: criteria provided, single submitter. Criteria: Ambry Variant Classification Scheme 2023. Collection method: clinical testing. Allele origin: germline.

Labcorp Genetics (formerly Invitae), Labcorp
Classification: Uncertain significance. Last evaluated: 2022-10-17. Review status: criteria provided, single submitter. Criteria: Invitae Variant Classification Sherloc (09022015). Collection method: clinical testing. Allele origin: germline.
Comment: This sequence change replaces glycine, which is neutral and non-polar, with aspartic acid, which is acidic and polar, at codon 877 of the COL18A1 protein (p.Gly877Asp). This variant is present in population databases (rs770294398, gnomAD 0.06%). This variant has not been reported in the literature in individuals affected with COL18A1-related conditions. ClinVar contains an entry for this variant (Variation ID: 1385803). Experimental studies and prediction algorithms are not available or were not evaluated, and the functional significance of this variant is currently unknown. In summary, the available evidence is currently insufficient to determine the role of this variant in disease. Therefore, it has been classified as a Variant of Uncertain Significance.

Blueprint Genetics
Classification: Uncertain significance. Last evaluated: 2019-06-25. Review status: criteria provided, single submitter. Criteria: ACMG Guidelines, 2015. Collection method: clinical testing. Allele origin: germline.

NM_001379500.1(COL18A1):c.2630G>A (p.Gly877Asp)

Gene: COL18A1 (collagen type XVIII alpha 1 chain; plus strand). Cytogenetic location: 21q22.3.
Variant type: single nucleotide variant.
Coding change: c.2630G>A on transcript NM_001379500.1 (MANE Select); coding-DNA position 2630, G replaced by A.
Protein change: p.Gly877Asp; replaces glycine 877 with aspartic acid.
Molecular consequence: missense variant.
Genome position (GRCh38, 1-based): chr21:45,497,608, G>A. VCF-style: chr21-45497608-G-A. GRCh37 (hg19) VCF-style: chr21-46917522-G-A.
Other names: NM_130445.2:c.2630G>A; c.3170G>A, p.Gly1057Asp (NM_030582.4); c.3875G>A, p.Gly1292Asp (NM_130444.3); short protein forms G1057D, G1292D, G877D.
Identifiers: ClinVar variation 1385803 (VCV001385803.5), dbSNP rs770294398, ClinGen allele CA10067250.